The following is an entry in ClinVar:

ClinVar aggregate classification (germline): Uncertain significance. Review status: criteria provided, multiple submitters, no conflicts (2 of 4 stars). 5 submissions from 5 submitters: Uncertain significance (5). Last evaluated 2024-08-27.

Conditions:
SLX4-related disorder. Also called: SLX4-related condition.
Fanconi anemia complementation group P. Also called: SLX4-Related Fanconi Anemia. Identifiers: Orphanet 84, MedGen C3469542, MONDO:0013499, OMIM 613951.
Fanconi anemia (FA). Also called: Fanconi's anemia. Identifiers: Orphanet 84, MedGen C0015625, MeSH D005199, MONDO:0019391.

Allele frequency attached by ClinVar (database versions not stated): ExAC 0.00001; gnomAD exomes 0.00001; gnomAD 0.00003; TOPMed 0.00003.

Submissions (5):

Labcorp Genetics (formerly Invitae), Labcorp
Classification: Uncertain significance for Fanconi anemia. Last evaluated: 2024-08-27. Review status: criteria provided, single submitter. Criteria: Invitae Variant Classification Sherloc (09022015). Collection method: clinical testing. Allele origin: germline.
Comment: This sequence change replaces arginine, which is basic and polar, with lysine, which is basic and polar, at codon 507 of the SLX4 protein (p.Arg507Lys). This variant is present in population databases (rs762550449, gnomAD 0.002%). This variant has not been reported in the literature in individuals affected with SLX4-related conditions. ClinVar contains an entry for this variant (Variation ID: 319176). An algorithm developed to predict the effect of missense changes on protein structure and function outputs the following: PolyPhen-2: "Benign". The lysine amino acid residue is found in multiple mammalian species, which suggests that this missense change does not adversely affect protein function. In summary, the available evidence is currently insufficient to determine the role of this variant in disease. Therefore, it has been classified as a Variant of Uncertain Significance.

Fulgent Genetics
Classification: Uncertain significance for Fanconi anemia complementation group P. Last evaluated: 2024-06-21. Review status: criteria provided, single submitter. Criteria: ACMG Guidelines, 2015. Collection method: clinical testing. Allele origin: germline.

PreventionGenetics, part of Exact Sciences
Classification: Uncertain significance for SLX4-related condition. Last evaluated: 2023-05-24. Review status: criteria provided, single submitter. Criteria: ACMG Guidelines, 2015. Collection method: clinical testing. Allele origin: germline.
Comment: The SLX4 c.1520G>A variant is predicted to result in the amino acid substitution p.Arg507Lys. To our knowledge, this variant has not been reported in the literature. This variant is reported in 0.0018% of alleles in individuals of European (Non-Finnish) descent in gnomAD. At this time, the clinical significance of this variant is uncertain due to the absence of conclusive functional and genetic evidence.

GeneDx
Classification: Uncertain significance. Last evaluated: 2020-11-05. Review status: criteria provided, single submitter. Criteria: GeneDx Variant Classification Process June 2021. Collection method: clinical testing. Allele origin: germline. Affected: yes.
Comment: Not observed at a significant frequency in large population cohorts (Lek et al., 2016); In silico analysis supports that this missense variant does not alter protein structure/function; Has not been previously published as pathogenic or benign to our knowledge

Illumina Laboratory Services, Illumina
Classification: Uncertain significance for Fanconi anemia complementation group P. Last evaluated: 2018-01-13. Review status: criteria provided, single submitter. Criteria: ICSL Variant Classification Criteria 13 December 2019. Collection method: clinical testing. Allele origin: germline.

NM_032444.4(SLX4):c.1520G>A (p.Arg507Lys)

Gene: SLX4 (SLX4 structure-specific endonuclease subunit; minus strand). Cytogenetic location: 16p13.3.
Variant type: single nucleotide variant.
Coding change: c.1520G>A on transcript NM_032444.4 (MANE Select); coding-DNA position 1520, G replaced by A.
Protein change: p.Arg507Lys; replaces arginine 507 with lysine.
Molecular consequence: missense variant.
Genome position (GRCh38, 1-based): chr16:3,597,542, C>T on the plus strand (G>A on the coding strand, the complement: SLX4 is on the minus strand). VCF-style: chr16-3597542-C-T. GRCh37 (hg19) VCF-style: chr16-3647543-C-T.
Other names: c.1520G>A (LRG_503t1, NM_032444.3); short protein forms R507K.
Identifiers: ClinVar variation 319176 (VCV000319176.15), dbSNP rs762550449, ClinGen allele CA7866498.